The following is an entry in ClinVar:

NM_000256.3(MYBPC3):c.821+13C>G

Gene: MYBPC3 (myosin binding protein C3; minus strand). Cytogenetic location: 11p11.2.
Variant type: single nucleotide variant.
Coding change: c.821+13C>G on transcript NM_000256.3 (MANE Select); 13 bases into the intron after coding-DNA position 821, C replaced by G.
Genome position (GRCh38, 1-based): chr11:47,347,844, G>C on the plus strand (C>G on the coding strand, the complement: MYBPC3 is on the minus strand). VCF-style: chr11-47347844-G-C. GRCh37 (hg19) VCF-style: chr11-47369395-G-C.
Other names: c.821+13C>G (LRG_386t1).
Identifiers: ClinVar variation 383144 (VCV000383144.1), dbSNP rs1057521528, ClinGen allele CA16605938.

ClinVar aggregate classification (germline): Likely benign (1 of 4 stars; one submission).

Allele frequency attached by ClinVar (database versions not stated): gnomAD exomes below 0.00001.

Submission:

GeneDx
Classification: Likely benign. Last evaluated: 2016-01-18. Review status: criteria provided, single submitter. Criteria: GeneDx Variant Classification (06012015). Collection method: clinical testing. Allele origin: germline. Affected: yes.
Comment: This variant is considered likely benign or benign based on one or more of the following criteria: it is a conservative change, it occurs at a poorly conserved position in the protein, it is predicted to be benign by multiple in silico algorithms, and/or has population frequency not consistent with disease.